The following is an entry in ClinVar:

ClinVar aggregate classification (germline): Likely pathogenic (1 of 4 stars; one submission).

Conditions:
Autosomal recessive limb-girdle muscular dystrophy type 2J (LGMDR10). Also called: Limb-girdle muscular dystrophy, type 2J; MUSCULAR DYSTROPHY, LIMB-GIRDLE, AUTOSOMAL RECESSIVE 10. Identifiers: Orphanet 140922, MedGen C1837342, MONDO:0012127, OMIM 608807.
Dilated cardiomyopathy 1G (CMD1G). Identifiers: Orphanet 154, MedGen C1858763, MONDO:0011400, OMIM 604145.

Submission:

Labcorp Genetics (formerly Invitae), Labcorp
Classification: Likely pathogenic for Dilated cardiomyopathy 1G; Autosomal recessive limb-girdle muscular dystrophy type 2J. Last evaluated: 2024-10-18. Review status: criteria provided, single submitter. Criteria: Invitae Variant Classification Sherloc (09022015). Collection method: clinical testing. Allele origin: germline.
Comment: This sequence change creates a premature translational stop signal (p.Asp14473Valfs*18) in the TTN gene. While this is not anticipated to result in nonsense mediated decay, it is expected to create a truncated TTN protein. This variant is not present in population databases (gnomAD no frequency). This variant has not been observed in the literature in individuals with autosomal recessive TTN-related conditions. This variant has been reported in individual(s) with autosomal dominant dilated cardiomyopathy (internal data); however, the role of the variant in this condition is currently unclear. This variant is located in the I band of TTN (PMID: 25589632). Truncating variants in this region have been reported in individuals affected with autosomal recessive centronuclear myopathy (PMID: 23975875, internal data). Truncating variants in this region have also been identified in individuals affected with autosomal dominant dilated cardiomyopathy and/or cardio-related conditions (PMID: 27869827, 32964742, internal data). In summary, the currently available evidence indicates that the variant is pathogenic, but additional data are needed to prove that conclusively. Therefore, this variant has been classified as Likely Pathogenic.

Literature cited by the submitters: PubMed 25589632; PubMed 23975875; PubMed 27869827; PubMed 32964742.

NM_001267550.2(TTN):c.43418del (p.Asp14473fs)

Gene: TTN (titin; minus strand). Cytogenetic location: 2q31.2.
Variant type: Deletion.
Coding change: c.43418del on transcript NM_001267550.2 (MANE Select); coding-DNA position 43418, one base deleted (A; older notation c.43418delA).
Protein change: p.Asp14473fs; shifts the reading frame from aspartic acid 14473.
Molecular consequence: frameshift variant.
Genome position (GRCh38, 1-based): chr2:178,632,588, T deleted on the plus strand (A on the coding strand, the reverse complement: TTN is on the minus strand). VCF-style (leftmost placement, unchanged base first): chr2-178632587-AT-A. GRCh37 (hg19) VCF-style: chr2-179497314-AT-A.
Other names: c.38495del, p.Asp12832fs (NM_001256850.1); c.16223del, p.Asp5408fs (NM_003319.4); c.35714del, p.Asp11905fs (NM_133378.4); c.16598del, p.Asp5533fs (NM_133432.3); c.16799del, p.Asp5600fs (NM_133437.4); short protein forms D5408fs, D5600fs, D11905fs, D12832fs, D14473fs, D5533fs.
Identifiers: ClinVar variation 2952422 (VCV002952422.3), dbSNP rs2471471577, ClinGen allele CA2740096348.